The following is an entry in ClinVar:

ClinVar aggregate classification (germline): Pathogenic (1 of 4 stars; one submission).

Conditions:
Telangiectasia, hereditary hemorrhagic, type 2 (HHT2). Also called: ACVRL1-Related Hereditary Hemorrhagic Telangiectasia; Telangiectasia, hereditary hemorrhagic, type II. Identifiers: Orphanet 774, MedGen C1838163, MONDO:0010880, OMIM 600376. Disease mechanism: loss of function.

Submission:

Labcorp Genetics (formerly Invitae), Labcorp
Classification: Pathogenic for Telangiectasia, hereditary hemorrhagic, type 2. Last evaluated: 2019-09-19. Review status: criteria provided, single submitter. Criteria: Invitae Variant Classification Sherloc (09022015). Collection method: clinical testing. Allele origin: germline.
Comment: This sequence change creates a premature translational stop signal (p.Tyr286*) in the ACVRL1 gene. It is expected to result in an absent or disrupted protein product. For these reasons, this variant has been classified as Pathogenic. Loss-of-function variants in ACVRL1 are known to be pathogenic (PMID: 15879500). This nonsense change has been observed in several individuals affected with hereditary hemorrhagic telangiectasia (PMID: 12114496, 15517393, 16705692). This variant is not present in population databases (ExAC no frequency).

Literature cited by the submitters: PubMed 15879500; PubMed 12114496; PubMed 15517393; PubMed 16705692.

NM_000020.3(ACVRL1):c.858C>A (p.Tyr286Ter)

Gene: ACVRL1 (activin A receptor like type 1; plus strand). Cytogenetic location: 12q13.13.
Variant type: single nucleotide variant.
Coding change: c.858C>A on transcript NM_000020.3 (MANE Select); coding-DNA position 858, C replaced by A.
Protein change: p.Tyr286Ter; replaces tyrosine 286 with a stop codon.
Molecular consequence: nonsense.
Genome position (GRCh38, 1-based): chr12:51,915,310, C>A. VCF-style: chr12-51915310-C-A. GRCh37 (hg19) VCF-style: chr12-52309094-C-A.
Other names: c.858C>A, p.Tyr286Ter (NM_001077401.2); short protein forms Y286*.
Identifiers: ClinVar variation 935245 (VCV000935245.9), dbSNP rs542810348, ClinGen allele CA384900576.